The following is an entry in ClinVar:

ClinVar aggregate classification (germline): Uncertain significance (1 of 4 stars; one submission).

gnomAD v4.1: 40 of 1,589,602 alleles (0.0025%); highest among the groups gnomAD compares: Middle Eastern, 0.051%; no homozygotes.

Submission:

Labcorp Genetics (formerly Invitae), Labcorp
Classification: Uncertain significance. Last evaluated: 2023-11-27. Review status: criteria provided, single submitter. Criteria: Invitae Variant Classification Sherloc (09022015). Collection method: clinical testing. Allele origin: germline.
Comment: This sequence change replaces alanine, which is neutral and non-polar, with serine, which is neutral and polar, at codon 1205 of the TONSL protein (p.Ala1205Ser). This variant is present in population databases (rs782390647, gnomAD 0.01%). This variant has not been reported in the literature in individuals affected with TONSL-related conditions. ClinVar contains an entry for this variant (Variation ID: 2151153). Advanced modeling of protein sequence and biophysical properties (such as structural, functional, and spatial information, amino acid conservation, physicochemical variation, residue mobility, and thermodynamic stability) performed at Invitae indicates that this missense variant is not expected to disrupt TONSL protein function with a negative predictive value of 80%. In summary, the available evidence is currently insufficient to determine the role of this variant in disease. Therefore, it has been classified as a Variant of Uncertain Significance.

NM_013432.5(TONSL):c.3613G>T (p.Ala1205Ser)

Gene: TONSL (tonsoku like, DNA repair protein; minus strand). Cytogenetic location: 8q24.3.
Variant type: single nucleotide variant.
Coding change: c.3613G>T on transcript NM_013432.5 (MANE Select); coding-DNA position 3613, G replaced by T.
Protein change: p.Ala1205Ser; replaces alanine 1205 with serine.
Molecular consequence: missense variant.
Genome position (GRCh38, 1-based): chr8:144,432,407, C>A on the plus strand (G>T on the coding strand, the complement: TONSL is on the minus strand). VCF-style: chr8-144432407-C-A. GRCh37 (hg19) VCF-style: chr8-145657790-C-A.
Other names: short protein forms A1205S.
Identifiers: ClinVar variation 2151153 (VCV002151153.3), dbSNP rs782390647, ClinGen allele CA4942433.
Genomic context (GRCh38, chr8:144,432,407, plus strand): 5'-AGCTGAGCTCTAAGTGCAGGAGGGTGCCGGCGGGCAGGCTCTGCAGGGTCCTGGCCAGGG[C>A]AGGGGCTCCCAGGGCGTTGTAGGACAGGGACAGGGTCTTCAGGTGCTCAGCATCTGCACC-3'
Protein context (NP_038460.4, residues 1195-1215): SLSYNALGAP[Ala1205Ser]LARTLQSLPA